The following is an entry in ClinVar:

ClinVar aggregate classification (germline): Uncertain significance (1 of 4 stars; one submission).

Conditions:
Charcot-Marie-Tooth disease axonal type 2O. Also called: CHARCOT-MARIE-TOOTH NEUROPATHY, AXONAL, TYPE 2O; CHARCOT-MARIE-TOOTH DISEASE, AXONAL, AUTOSOMAL DOMINANT, TYPE 2O; Charcot-Marie-Tooth Neuropathy Type 2O; Charcot-Marie-Tooth disease, axonal, type 20. Identifiers: Orphanet 284232, MedGen C3280220, MONDO:0013644, OMIM 614228.

gnomAD v4.1: 3 of 1,614,144 alleles (0.00019%); highest among the groups gnomAD compares: Non-Finnish European, 0.00025%; no homozygotes.

Submission:

Labcorp Genetics (formerly Invitae), Labcorp
Classification: Uncertain significance for Charcot-Marie-Tooth disease axonal type 2O. Last evaluated: 2023-05-02. Review status: criteria provided, single submitter. Criteria: Invitae Variant Classification Sherloc (09022015). Collection method: clinical testing. Allele origin: germline.
Comment: Advanced modeling of protein sequence and biophysical properties (such as structural, functional, and spatial information, amino acid conservation, physicochemical variation, residue mobility, and thermodynamic stability) performed at Invitae indicates that this missense variant is not expected to disrupt DYNC1H1 protein function. ClinVar contains an entry for this variant (Variation ID: 1467256). This variant has not been reported in the literature in individuals affected with DYNC1H1-related conditions. This variant is not present in population databases (gnomAD no frequency). This sequence change replaces alanine, which is neutral and non-polar, with glutamic acid, which is acidic and polar, at codon 3934 of the DYNC1H1 protein (p.Ala3934Glu). In summary, the available evidence is currently insufficient to determine the role of this variant in disease. Therefore, it has been classified as a Variant of Uncertain Significance.

NM_001376.5(DYNC1H1):c.11801C>A (p.Ala3934Glu)

Gene: DYNC1H1 (dynein cytoplasmic 1 heavy chain 1; plus strand). Cytogenetic location: 14q32.31.
Variant type: single nucleotide variant.
Coding change: c.11801C>A on transcript NM_001376.5 (MANE Select); coding-DNA position 11801, C replaced by A.
Protein change: p.Ala3934Glu; replaces alanine 3934 with glutamic acid.
Molecular consequence: missense variant.
Genome position (GRCh38, 1-based): chr14:102,040,346, C>A. VCF-style: chr14-102040346-C-A. GRCh37 (hg19) VCF-style: chr14-102506683-C-A.
Other names: short protein forms A3934E.
Identifiers: ClinVar variation 1467256 (VCV001467256.6), dbSNP rs751780173, ClinGen allele CA391036853.